The following is an entry in ClinVar:

NM_032043.3(BRIP1):c.1795-2del

Gene: BRIP1 (BRCA1 interacting DNA helicase 1; minus strand). Cytogenetic location: 17q23.2.
Variant type: Deletion.
Coding change: c.1795-2del on transcript NM_032043.3 (MANE Select); the canonical splice acceptor site of the intron before coding-DNA position 1795, one base deleted (A; older notation c.1795-2delA).
Molecular consequence: splice acceptor variant.
Genome position (GRCh38, 1-based): chr17:61,780,403, T deleted on the plus strand (A on the coding strand, the reverse complement: BRIP1 is on the minus strand). VCF-style (leftmost placement, unchanged base first): chr17-61780402-CT-C. GRCh37 (hg19) VCF-style: chr17-59857763-CT-C.
Identifiers: ClinVar variation 2951592 (VCV002951592.3), dbSNP rs2545021377, ClinGen allele CA2740093859.

ClinVar aggregate classification (germline): Likely pathogenic (1 of 4 stars; one submission).

Conditions:
Familial cancer of breast. Also called: BREAST CANCER, FAMILIAL; hereditary breast carcinoma; Hereditary breast cancer. Identifiers: Orphanet 227535, MedGen C0346153, MONDO:0016419, OMIM 114480. Disease mechanism: loss of function.
Fanconi anemia complementation group J. Also called: BRIP1-Related Fanconi Anemia. Identifiers: Orphanet 84, MedGen C1836860, MONDO:0012187, OMIM 609054.

Submission:

Labcorp Genetics (formerly Invitae), Labcorp
Classification: Likely pathogenic for Familial cancer of breast; Fanconi anemia complementation group J. Last evaluated: 2023-09-04. Review status: criteria provided, single submitter. Criteria: Invitae Variant Classification Sherloc (09022015). Collection method: clinical testing. Allele origin: germline.
Comment: This variant is not present in population databases (gnomAD no frequency). In summary, the currently available evidence indicates that the variant is pathogenic, but additional data are needed to prove that conclusively. Therefore, this variant has been classified as Likely Pathogenic. Algorithms developed to predict the effect of sequence changes on RNA splicing suggest that this variant may disrupt the consensus splice site. This variant has not been reported in the literature in individuals affected with BRIP1-related conditions. This sequence change affects a splice site in intron 12 of the BRIP1 gene. It is expected to disrupt RNA splicing. Variants that disrupt the donor or acceptor splice site typically lead to a loss of protein function (PMID: 16199547), and loss-of-function variants in BRIP1 are known to be pathogenic (PMID: 16116423, 17033622, 21964575).

Literature cited by the submitters: PubMed 16199547; PubMed 16116423; PubMed 17033622; PubMed 21964575.